The following is an entry in ClinVar:

ClinVar aggregate classification (germline): Uncertain significance (1 of 4 stars; one submission).

Conditions:
Autosomal recessive limb-girdle muscular dystrophy type 2Y (MRRSDC). Also called: Muscular dystrophy, limb-girdle, type 2y; Muscular dystrophy, autosomal recessive, with rigid spine and distal joint contractures. Identifiers: Orphanet 424261, MedGen C4511482, MONDO:0014900, OMIM 617072.

Submission:

Labcorp Genetics (formerly Invitae), Labcorp
Classification: Uncertain significance for Autosomal recessive limb-girdle muscular dystrophy type 2Y. Last evaluated: 2022-05-03. Review status: criteria provided, single submitter. Criteria: Invitae Variant Classification Sherloc (09022015). Collection method: clinical testing. Allele origin: germline.
Comment: Experimental studies and prediction algorithms are not available or were not evaluated, and the functional significance of this variant is currently unknown. This variant has not been reported in the literature in individuals affected with TOR1AIP1-related conditions. This variant is not present in population databases (gnomAD no frequency). This sequence change results in a frameshift in the TOR1AIP1 gene (p.Glu575Aspfs*24). While this is not anticipated to result in nonsense mediated decay, it is expected to disrupt the last 10 amino acid(s) of the TOR1AIP1 protein and extend the protein by 13 additional amino acid residues. In summary, the available evidence is currently insufficient to determine the role of this variant in disease. Therefore, it has been classified as a Variant of Uncertain Significance.

NM_015602.4(TOR1AIP1):c.1721_1722insT (p.Glu574fs)

Gene: TOR1AIP1 (torsin 1A interacting protein 1; plus strand). Cytogenetic location: 1q25.2.
Variant type: Insertion.
Coding change: c.1721_1722insT on transcript NM_015602.4 (MANE Select); coding-DNA positions 1721 to 1722, T inserted.
Protein change: p.Glu574fs; shifts the reading frame from glutamic acid 574.
Molecular consequence: frameshift variant.
Genome position: GRCh38 VCF-style: chr1-179918208-A-AT. GRCh37 (hg19) VCF-style: chr1-179887343-A-AT.
Other names: c.1724_1725insT, p.Glu575fs (NM_001267578.2); short protein forms E574fs, E575fs.
Identifiers: ClinVar variation 2132625 (VCV002132625.4), dbSNP rs2526652892, ClinGen allele CA2580061535.